The following is an entry in ClinVar:

ClinVar aggregate classification (germline): Likely pathogenic (1 of 4 stars; one submission).

Allele frequency attached by ClinVar (database versions not stated): gnomAD exomes below 0.00001.
gnomAD v4.1: 1 of 1,514,706 alleles (0.000066%); highest among the groups gnomAD compares: Non-Finnish European, 0.000092%; no homozygotes.

Submission:

Labcorp Genetics (formerly Invitae), Labcorp
Classification: Likely pathogenic. Last evaluated: 2023-10-03. Review status: criteria provided, single submitter. Criteria: Invitae Variant Classification Sherloc (09022015). Collection method: clinical testing. Allele origin: germline.
Comment: This sequence change affects a donor splice site in intron 9 of the PEX3 gene. It is expected to disrupt RNA splicing. Variants that disrupt the donor or acceptor splice site typically lead to a loss of protein function (PMID: 16199547), and loss-of-function variants in PEX3 are known to be pathogenic (PMID: 10942428, 21031596). This variant is not present in population databases (gnomAD no frequency). This variant has not been reported in the literature in individuals affected with PEX3-related conditions. Algorithms developed to predict the effect of sequence changes on RNA splicing suggest that this variant may disrupt the consensus splice site. In summary, the currently available evidence indicates that the variant is pathogenic, but additional data are needed to prove that conclusively. Therefore, this variant has been classified as Likely Pathogenic.

Literature cited by the submitters: PubMed 16199547; PubMed 10942428; PubMed 21031596.

NM_003630.3(PEX3):c.818+1G>A

Gene: PEX3 (peroxisomal biogenesis factor 3; plus strand). Cytogenetic location: 6q24.2.
Variant type: single nucleotide variant.
Coding change: c.818+1G>A on transcript NM_003630.3 (MANE Select); the canonical splice donor site of the intron after coding-DNA position 818, G replaced by A.
Molecular consequence: splice donor variant.
Genome position (GRCh38, 1-based): chr6:143,474,857, G>A. VCF-style: chr6-143474857-G-A. GRCh37 (hg19) VCF-style: chr6-143795994-G-A.
Identifiers: ClinVar variation 2873216 (VCV002873216.3), dbSNP rs958074446, ClinGen allele CA149068069.
Genomic context (GRCh38, chr6:143,474,857, plus strand): 5'-TTCTCCTCGAGACATTACCACTATTAAACTTCTCAATGAAACTAGAGACATGTTGGAAAG[G>A]TATGTATACTTCATGTAGCAGGAAAAATATGTGTGTATGTTGAATGTACTTGAGACTATT-3'